The following is an entry in ClinVar:

NM_000284.4(PDHA1):c.337C>G (p.His113Asp)

Gene: PDHA1 (pyruvate dehydrogenase E1 subunit alpha 1; plus strand). Cytogenetic location: Xp22.12.
Variant type: single nucleotide variant.
Coding change: c.337C>G on transcript NM_000284.4 (MANE Select); coding-DNA position 337, C replaced by G.
Protein change: p.His113Asp; replaces histidine 113 with aspartic acid.
Molecular consequence: missense variant.
Genome position (GRCh38, 1-based): chrX:19,351,326, C>G. VCF-style: chrX-19351326-C-G. GRCh37 (hg19) VCF-style: chrX-19369444-C-G.
Other names: c.358C>G, p.His120Asp (NM_001173455.2); c.451C>G, p.His151Asp (NM_001173454.2); c.337C>G, p.His113Asp (NM_001173456.2); short protein forms H113D, H120D, H151D.
Identifiers: ClinVar variation 4070497 (VCV004070497.1).
Genomic context (GRCh38, chrX:19,351,326, plus strand): 5'-CTTCCTCTAACACAGGAAGCTTGCTGTGTGGGCCTGGAGGCCGGCATCAACCCCACAGAC[C>G]ATCTCATCACAGCCTACCGGGCTCACGGCTTTACTTTCACCCGGGGCCTTTCCGTCCGAG-3'
Protein context (NP_000275.1, residues 103-123): GLEAGINPTD[His113Asp]LITAYRAHGF

ClinVar aggregate classification (germline): Likely pathogenic (0 of 4 stars; one submission).

Conditions:
Pyruvate dehydrogenase E1-alpha deficiency (PDHAD). Also called: ATAXIA, INTERMITTENT, WITH PYRUVATE DEHYDROGENASE DEFICIENCY; ATAXIA WITH LACTIC ACIDOSIS I; ATAXIA, INTERMITTENT, WITH ABNORMAL PYRUVATE METABOLISM; Ataxia, intermittent, with pyruvate dehydrogenase, or decarboxylase, deficiency. Identifiers: Orphanet 79243, MedGen C1839413, MONDO:0010717, OMIM 312170.

Submission:

PDHA1 Study Group, University Children’s Hospital, Paracelsus Medical University
Classification: Likely pathogenic for Pyruvate dehydrogenase E1-alpha deficiency. Last evaluated: 2024-10-15. Review status: no assertion criteria provided. Collection method: research. Allele origin: de novo. Affected: yes. Observed: 2 variant alleles.
Comment: The NM_000284.3:c.337C>G (p.His113Asp) substitution is a missense variant in PDHA1 gene. In total, 2 individuals were diagnosed with PDHA1-related Pyruvate dehydrogenase complex (PDHc) deficiency (MIM #312170). Among them, 1 case had confirmed de novo occurrence. The variant has been reported in 2 published cases (PMIDs: 8664900, 20002461). Last literature search: July 12, 2024. This variant is absent or extremely rare in population-based cohorts in the Genome Aggregation Database (gnomAD). Individuals harboring this variant presented with clinical features compatible with PDHA1-related PDHc deficiency. In summary, this variant meets criteria to be classified as likely pathogenic (LP) for PDHA1-related PDHc deficiency based on the ACMG/AMP criteria applied: PS3, PM2, PM7, PP3 (last assessment October 15, 2024).

Literature cited by the submitters: PubMed 8664900; PubMed 20002461; DOI 10.1093/brain/awaf430.